The following is an entry in ClinVar:

ClinVar aggregate classification (germline): Benign/Likely benign. Review status: criteria provided, multiple submitters, no conflicts (2 of 4 stars). 4 submissions from 4 submitters: Benign (1); Likely benign (3). Last evaluated 2024-04-15.

Conditions:
Hereditary cancer-predisposing syndrome. Also called: Tumor predisposition; Neoplastic Syndromes, Hereditary; Hereditary neoplastic syndrome; Hereditary Cancer Syndrome. Identifiers: Orphanet 140162, MedGen C0027672, MeSH D009386, MONDO:0015356.
Classic or attenuated familial adenomatous polyposis. Identifiers: MedGen CN372698, MONDO:0021057.
Familial adenomatous polyposis 1 (FAP1). Also called: POLYPOSIS, ADENOMATOUS INTESTINAL; FAMILIAL ADENOMATOUS POLYPOSIS 1, ATTENUATED. Identifiers: MedGen C2713442, MONDO:0021056, OMIM 175100. Disease mechanism: loss of function.

Submissions (4):

Myriad Genetics, Inc.
Classification: Benign for Familial adenomatous polyposis 1. Last evaluated: 2024-04-15. Review status: criteria provided, single submitter. Criteria: Myriad Autosomal Dominant, Autosomal Recessive and X-Linked Classification Criteria (2023). Collection method: clinical testing. Allele origin: unknown.
Comment: This variant is considered benign. This variant is a silent/synonymous amino acid change and it is not expected to impact splicing.

All of Us Research Program, National Institutes of Health
Classification: Likely benign for Classic or attenuated familial adenomatous polyposis. Last evaluated: 2023-04-03. Review status: criteria provided, single submitter. Criteria: ACMG Guidelines, 2015. Collection method: clinical testing. Allele origin: germline. Inheritance: Autosomal dominant inheritance. Observed: 1 variant allele, 1 heterozygote.
Comment: This study involves interpretation of variants in research participants for the purpose of population health screening. Participant phenotype was not available at the time of variant classification. Additional details can be found in publication PMID: 35346344, PMCID: PMC8962531

Ambry Genetics
Classification: Likely benign for Hereditary cancer-predisposing syndrome. Last evaluated: 2019-06-06. Review status: criteria provided, single submitter. Criteria: Ambry Variant Classification Scheme 2023. Collection method: clinical testing. Allele origin: germline.

Color Diagnostics, LLC DBA Color Health
Classification: Likely benign for Hereditary cancer-predisposing syndrome. Last evaluated: 2017-12-05. Review status: criteria provided, single submitter. Criteria: ACMG Guidelines, 2015. Collection method: clinical testing. Allele origin: germline.

NM_000038.6(APC):c.8346T>G (p.Thr2782=)

Gene: APC (APC regulator of Wnt signaling pathway; plus strand). Cytogenetic location: 5q22.2.
Variant type: single nucleotide variant.
Coding change: c.8346T>G on transcript NM_000038.6 (MANE Select); coding-DNA position 8346, T replaced by G.
Protein change: p.Thr2782=; no amino-acid change (threonine 2782 retained).
Molecular consequence: synonymous variant.
Genome position (GRCh38, 1-based): chr5:112,843,940, T>G. VCF-style: chr5-112843940-T-G. GRCh37 (hg19) VCF-style: chr5-112179637-T-G.
Other names: c.8169T>G, p.Thr2723= (NM_001354901.2); c.8223T>G, p.Thr2741= (NM_001354900.2); c.8073T>G, p.Thr2691= (NM_001354902.2); c.8262T>G, p.Thr2754= (NM_001354899.2); c.8271T>G, p.Thr2757= (NM_001354898.2); c.8376T>G, p.Thr2792= (NM_001354897.2); c.8346T>G, p.Thr2782= (NM_001127510.3, NM_001354895.2); c.8292T>G, p.Thr2764= (NM_001127511.3); and 5 more.
Identifiers: ClinVar variation 630962 (VCV000630962.8), dbSNP rs1561622483, ClinGen allele CA446211526.